The following is an entry in ClinVar:

ClinVar aggregate classification (germline): Uncertain significance (1 of 4 stars; one submission).

Conditions:
Hereditary cancer-predisposing syndrome. Also called: Hereditary Cancer Syndrome; Neoplastic Syndromes, Hereditary; Tumor predisposition; Hereditary neoplastic syndrome. Identifiers: Orphanet 140162, MedGen C0027672, MeSH D009386, MONDO:0015356.

gnomAD v4.1: 2 of 1,613,222 alleles (0.00012%); highest among the groups gnomAD compares: South Asian, 0.0022%; no homozygotes.

Submission:

Ambry Genetics
Classification: Uncertain significance for Hereditary cancer-predisposing syndrome. Last evaluated: 2022-09-27. Review status: criteria provided, single submitter. Criteria: Ambry Variant Classification Scheme 2023. Collection method: clinical testing. Allele origin: germline.
Comment: The p.R1786M variant (also known as c.5357G>T), located in coding exon 15 of the APC gene, results from a G to T substitution at nucleotide position 5357. The arginine at codon 1786 is replaced by methionine, an amino acid with similar properties. This amino acid position is conserved. In addition, in silico predictors for this gene do not accurately predict pathogenicity. Since supporting evidence is limited at this time, the clinical significance of this alteration remains unclear.

NM_000038.6(APC):c.5357G>T (p.Arg1786Met)

Gene: APC (APC regulator of Wnt signaling pathway; plus strand). Cytogenetic location: 5q22.2.
Variant type: single nucleotide variant.
Coding change: c.5357G>T on transcript NM_000038.6 (MANE Select); coding-DNA position 5357, G replaced by T.
Protein change: p.Arg1786Met; replaces arginine 1786 with methionine.
Molecular consequence: missense variant.
Genome position (GRCh38, 1-based): chr5:112,840,951, G>T. VCF-style: chr5-112840951-G-T. GRCh37 (hg19) VCF-style: chr5-112176648-G-T.
Other names: c.5357G>T, p.Arg1786Met (NM_001407450.1, NM_001127510.3, NM_001354895.2); c.5336G>T, p.Arg1779Met (NM_001407451.1); c.5327G>T, p.Arg1776Met (NM_001407452.1); c.5180G>T, p.Arg1727Met (NM_001407453.1, NM_001354901.2); c.5108G>T, p.Arg1703Met (NM_001407454.1, NM_001407455.1, NM_001407456.1 and 1 more transcripts); c.5054G>T, p.Arg1685Met (NM_001407458.1, NM_001407459.1, NM_001407460.1 and 1 more transcripts); c.4970G>T, p.Arg1657Met (NM_001407467.1, NM_001407469.1); c.4508G>T, p.Arg1503Met (NM_001407470.1, NM_001354906.2); and 11 more; short protein forms R1657M, R1660M, R1776M, R1786M, R1402M, R1685M, R1695M, R1703M.
Identifiers: ClinVar variation 1747034 (VCV001747034.2), dbSNP rs944674770, ClinGen allele CA16033043.
Genomic context (GRCh38, chr5:112,840,951, plus strand): 5'-ATGGTAAGAAAAAGAAACCAACTTCACCAGTAAAACCTATACCACAAAATACTGAATATA[G>T]GACACGTGTAAGAAAAAATGCAGACTCAAAAAATAATTTAAATGCTGAGAGAGTTTTCTC-3'
Protein context (NP_000029.2, residues 1776-1796): VKPIPQNTEY[Arg1786Met]TRVRKNADSK